The following is an entry in ClinVar:

NC_000014.8:g.(?_102843059)_(102964594_?)dup

Gene: TECPR2 (tectonin beta-propeller repeat containing 2; plus strand). Cytogenetic location: 14q32.31.
Variant type: Duplication.
Identifiers: ClinVar variation 2425981 (VCV002425981.5).

ClinVar aggregate classification (germline): Uncertain significance (1 of 4 stars; one submission).

Conditions:
Hereditary spastic paraplegia 49 (HSAN9). Also called: NEUROPATHY, HEREDITARY SENSORY AND AUTONOMIC, TYPE IX, WITH DEVELOPMENTAL DELAY; Spastic paraplegia 49, autosomal recessive; TECPR2-Related Hereditary Sensory and Autonomic Neuropathy with Intellectual Disability. Identifiers: Orphanet 320385, MedGen C5190860, MONDO:0014016, OMIM 615031.

Submission:

Labcorp Genetics (formerly Invitae), Labcorp
Classification: Uncertain significance for Hereditary spastic paraplegia 49. Last evaluated: 2022-10-04. Review status: criteria provided, single submitter. Criteria: Invitae Variant Classification Sherloc (09022015). Collection method: clinical testing. Allele origin: germline.
Comment: A copy number gain of the genomic region encompassing the full coding sequence of the TECPR2 gene has been identified. The boundaries of this event are unknown as they extend beyond the assayed region for this gene and therefore may encompass additional genes. As the precise location of this event is unknown, it may be in tandem or it may be located elsewhere in the genome. This variant has not been reported in the literature in individuals affected with TECPR2-related conditions. Experimental studies and prediction algorithms are not available or were not evaluated, and the functional significance of this variant is currently unknown. In summary, the available evidence is currently insufficient to determine the role of this variant in disease. Therefore, it has been classified as a Variant of Uncertain Significance.